The following is an entry in ClinVar:

ClinVar aggregate classification (germline): Benign/Likely benign. Review status: criteria provided, multiple submitters, no conflicts (2 of 4 stars). 6 submissions from 6 submitters: Benign (1); Likely benign (5). Last evaluated 2026-04-16.

Conditions:
DICER1-related disorder. Also called: DICER1-related condition.
DICER1-related tumor predisposition. Also called: DICER1 syndrome; DICER1-related pleuropulmonary blastoma cancer predisposition syndrome. Identifiers: Orphanet 284343, MedGen C3839822, MONDO:0100216.
Hereditary cancer-predisposing syndrome. Also called: Neoplastic Syndromes, Hereditary; Hereditary neoplastic syndrome; Hereditary Cancer Syndrome; Tumor predisposition. Identifiers: Orphanet 140162, MedGen C0027672, MeSH D009386, MONDO:0015356.

Allele frequency attached by ClinVar (database versions not stated): ExAC 0.00002; gnomAD exomes 0.00002 and 0.00003; TOPMed 0.00003; gnomAD 0.00004 and 0.00005; 1000 Genomes Project 30x 0.00016; 1000 Genomes Project 0.00020.
gnomAD v4.1: 41 of 1,613,832 alleles (0.0025%); highest among the groups gnomAD compares: African/African-American, 0.004%; no homozygotes.

Submissions (6):

Myriad Genetics, Inc.
Classification: Benign for DICER1-related tumor predisposition. Last evaluated: 2026-04-16. Review status: criteria provided, single submitter. Criteria: Myriad Autosomal Dominant, Autosomal Recessive and X-Linked Classification Criteria (2023). Collection method: clinical testing. Allele origin: unknown.
Comment: This variant is considered benign. This variant is a silent/synonymous amino acid change and it is not expected to impact splicing.

Labcorp Genetics (formerly Invitae), Labcorp
Classification: Likely benign for DICER1-related tumor predisposition. Last evaluated: 2026-01-14. Review status: criteria provided, single submitter. Criteria: Invitae Variant Classification Sherloc (09022015). Collection method: clinical testing. Allele origin: germline.

PreventionGenetics, part of Exact Sciences
Classification: Likely benign for DICER1-related condition. Last evaluated: 2025-09-10. Review status: criteria provided, single submitter. Criteria: ACMG Guidelines, 2015. Collection method: clinical testing. Allele origin: germline.
Comment: This variant is classified as likely benign based on ACMG/AMP sequence variant interpretation guidelines (Richards et al. 2015 PMID: 25741868, with internal and published modifications).

Center for Genomic Medicine, Rigshospitalet, Copenhagen University Hospital
Classification: Likely benign. Last evaluated: 2025-03-04. Review status: criteria provided, single submitter. Criteria: ACMG Guidelines, 2015. Collection method: clinical testing. Allele origin: germline.

Blueprint Genetics
Classification: Likely benign. Last evaluated: 2024-11-15. Review status: criteria provided, single submitter. Criteria: ACMG Guidelines, 2015. Collection method: clinical testing. Allele origin: germline.

Ambry Genetics
Classification: Likely benign for Hereditary cancer-predisposing syndrome. Last evaluated: 2016-04-26. Review status: criteria provided, single submitter. Criteria: Ambry Variant Classification Scheme 2023. Collection method: clinical testing. Allele origin: germline.

NM_177438.3(DICER1):c.2118C>T (p.Gly706=)

Gene: DICER1 (dicer 1, ribonuclease III; minus strand). Cytogenetic location: 14q32.13.
Variant type: single nucleotide variant.
Coding change: c.2118C>T on transcript NM_177438.3 (MANE Select); coding-DNA position 2118, C replaced by T.
Protein change: p.Gly706=; no amino-acid change (glycine 706 retained).
Molecular consequence: synonymous variant.
Genome position (GRCh38, 1-based): chr14:95,111,455, G>A on the plus strand (C>T on the coding strand, the complement: DICER1 is on the minus strand). VCF-style: chr14-95111455-G-A. GRCh37 (hg19) VCF-style: chr14-95577792-G-A.
Other names: c.2118C>T, p.Gly706= (NM_001195573.1, NM_001271282.3, NM_001291628.2 and 1 more transcripts).
Identifiers: ClinVar variation 242058 (VCV000242058.21), dbSNP rs191755360, ClinGen allele CA7331299.
Genomic context (GRCh38, chr14:95,111,455, plus strand): 5'-AAGCTCCTCTTCATATTTAACAGTCTCTTTCCCAACTGGCATCAAATGGTCATCCAGTTC[G>A]CCTAACAAATTTAAAGAGAGAATTAACACAATCCAGATTTTGCCTGATTAATTAGTAAAG-3'
Protein context (NP_803187.1, residues 696-716): LICCEKLHKI[Gly706=]ELDDHLMPVG